The following is an entry in ClinVar:

ClinVar aggregate classification (germline): Likely pathogenic. Review status: criteria provided, multiple submitters, no conflicts (2 of 4 stars). 2 submissions from 2 submitters: Likely pathogenic (2). Last evaluated 2024-05-28.

Conditions:
Hypokalemic periodic paralysis, type 1. Also called: HypoPP; Hypokalemic Periodic Paralysis Type 1 (AD). Identifiers: Orphanet 681, MedGen C3714580, MONDO:0042979, OMIM 170400.
Malignant hyperthermia, susceptibility to, 5 (MHS5). Also called: CACNA1S-Related Malignant Hyperthermia Susceptibility. Identifiers: Orphanet 423, MedGen C1866077, MONDO:0011163, OMIM 601887.
Thyrotoxic periodic paralysis, susceptibility to, 1 (TTPP1). Identifiers: Orphanet 79102, MedGen C2749982, MONDO:0008570, OMIM 188580.
Congenital myopathy 18. Also called: Myopathy, congenital, due to dihydropyridine receptor defect; DIHYDROPYRIDINE RECEPTOR CONGENITAL MYOPATHY; DHPR CONGENITAL MYOPATHY. Identifiers: MedGen C5830283, MONDO:0859514, OMIM 620246.

Allele frequency attached by ClinVar (database versions not stated): TOPMed below 0.00001; gnomAD 0.00001.
gnomAD v4.1: 2 of 1,613,606 alleles (0.00012%); highest among the groups gnomAD compares: Admixed American, 0.0017%; no homozygotes.

Submissions (2):

Fulgent Genetics
Classification: Likely pathogenic for Hypokalemic periodic paralysis, type 1; Thyrotoxic periodic paralysis, susceptibility to, 1; Malignant hyperthermia, susceptibility to, 5; Congenital myopathy 18. Last evaluated: 2024-05-28. Review status: criteria provided, single submitter. Criteria: ACMG Guidelines, 2015. Collection method: clinical testing. Allele origin: germline.

Labcorp Genetics (formerly Invitae), Labcorp
Classification: Likely pathogenic for Hypokalemic periodic paralysis, type 1; Malignant hyperthermia, susceptibility to, 5. Last evaluated: 2022-03-14. Review status: criteria provided, single submitter. Criteria: Invitae Variant Classification Sherloc (09022015). Collection method: clinical testing. Allele origin: germline.
Comment: In summary, the currently available evidence indicates that the variant is pathogenic, but additional data are needed to prove that conclusively. Therefore, this variant has been classified as Likely Pathogenic. Algorithms developed to predict the effect of sequence changes on RNA splicing suggest that this variant may disrupt the consensus splice site. This variant has not been reported in the literature in individuals affected with CACNA1S-related conditions. This variant is not present in population databases (gnomAD no frequency). This sequence change affects a donor splice site in intron 2 of the CACNA1S gene. It is expected to disrupt RNA splicing. Variants that disrupt the donor or acceptor splice site typically lead to a loss of protein function (PMID: 16199547), and loss-of-function variants in CACNA1S are known to be pathogenic (PMID: 26247046, 28012042).

Literature cited by the submitters: PubMed 16199547 (cited by Labcorp Genetics (formerly Invitae), Labcorp); PubMed 26247046 (cited by Labcorp Genetics (formerly Invitae), Labcorp); PubMed 28012042 (cited by Labcorp Genetics (formerly Invitae), Labcorp).

NM_000069.3(CACNA1S):c.258+2T>C

Gene: CACNA1S (calcium voltage-gated channel subunit alpha1 S; minus strand). Cytogenetic location: 1q32.1.
Variant type: single nucleotide variant.
Coding change: c.258+2T>C on transcript NM_000069.3 (MANE Select); the canonical splice donor site of the intron after coding-DNA position 258, T replaced by C.
Molecular consequence: splice donor variant.
Genome position (GRCh38, 1-based): chr1:201,110,162, A>G on the plus strand (T>C on the coding strand, the complement: CACNA1S is on the minus strand). VCF-style: chr1-201110162-A-G. GRCh37 (hg19) VCF-style: chr1-201079290-A-G.
Identifiers: ClinVar variation 2168576 (VCV002168576.5), dbSNP rs1663041820, ClinGen allele CA344155586.